The following is an entry in ClinVar:

NM_000334.4(SCN4A):c.1207A>C (p.Met403Leu)

Gene: SCN4A (sodium voltage-gated channel alpha subunit 4; minus strand). Cytogenetic location: 17q23.3.
Variant type: single nucleotide variant.
Coding change: c.1207A>C on transcript NM_000334.4 (MANE Select); coding-DNA position 1207, A replaced by C.
Protein change: p.Met403Leu; replaces methionine 403 with leucine.
Molecular consequence: missense variant.
Genome position (GRCh38, 1-based): chr17:63,966,137, T>G on the plus strand (A>C on the coding strand, the complement: SCN4A is on the minus strand). VCF-style: chr17-63966137-T-G. GRCh37 (hg19) VCF-style: chr17-62043497-T-G.
Other names: short protein forms M403L.
Identifiers: ClinVar variation 4823185 (VCV004823185.4).

ClinVar aggregate classification (germline): Uncertain significance (1 of 4 stars; one submission).

gnomAD v4.1: 1 of 1,589,698 alleles (0.000063%); highest among the groups gnomAD compares: Non-Finnish European, 0.000086%; no homozygotes.

Submission:

CeGaT Center for Human Genetics Tuebingen
Classification: Uncertain significance. Last evaluated: 2026-02-01. Review status: criteria provided, single submitter. Criteria: CeGaT Center For Human Genetics Tuebingen Variant Classification Criteria Version 2. Collection method: clinical testing. Allele origin: germline. Affected: yes. Observed: 1 variant allele.
Comment: SCN4A: PM2, PM1:Supporting, PP3, PS4:Supporting